The following is an entry in ClinVar:

NM_000090.4(COL3A1):c.507C>T (p.Leu169=)

Gene: COL3A1 (collagen type III alpha 1 chain; plus strand). Cytogenetic location: 2q32.2.
Variant type: single nucleotide variant.
Coding change: c.507C>T on transcript NM_000090.4 (MANE Select); coding-DNA position 507, C replaced by T.
Protein change: p.Leu169=; no amino-acid change (leucine 169 retained).
Molecular consequence: synonymous variant.
Genome position (GRCh38, 1-based): chr2:188,987,118, C>T. VCF-style: chr2-188987118-C-T. GRCh37 (hg19) VCF-style: chr2-189851844-C-T.
Identifiers: ClinVar variation 1171732 (VCV001171732.8), dbSNP rs142437505, ClinGen allele CA076649.
Genomic context (GRCh38, chr2:188,987,118, plus strand): 5'-GAACTATTCTCCCCAGTATGATTCATATGATGTCAAGTCTGGAGTAGCAGTAGGAGGACT[C>T]GCAGGCTATCCTGGACCAGCTGTACGTACAAATGTTTCTCAGCATTTTGGAGCTTTATTA-3'
Protein context (NP_000081.2, residues 159-179): DVKSGVAVGG[Leu169=]AGYPGPAGPP

ClinVar aggregate classification (germline): Likely benign. Review status: criteria provided, multiple submitters, no conflicts (2 of 4 stars). 4 submissions from 4 submitters: Likely benign (4). Last evaluated 2025-12-21.

Conditions:
Familial thoracic aortic aneurysm and aortic dissection (TAAD). Also called: Thoracic aortic aneurysms and dissections. Identifiers: Orphanet 91387, MedGen C4707243, MONDO:0019625.
Ehlers-Danlos syndrome, type 4 (EDSVASC). Also called: Ehlers-Danlos syndrome vascular type; Ehlers Danlos syndrome, ecchymotic type; Ehlers Danlos syndrome, arterial type; Ehlers Danlos syndrome, Sack-Barabas type; Ehlers-Danlos Syndrome Type IV. Identifiers: Orphanet 286, MedGen C0268338, MONDO:0017314, OMIM 130050.

Allele frequency attached by ClinVar (database versions not stated): gnomAD 0.00001.
gnomAD v4.1: 5 of 1,612,496 alleles (0.00031%); highest among the groups gnomAD compares: Non-Finnish European, 0.00042%; no homozygotes.

Submissions (4):

Labcorp Genetics (formerly Invitae), Labcorp
Classification: Likely benign for Ehlers-Danlos syndrome, type 4. Last evaluated: 2025-12-21. Review status: criteria provided, single submitter. Criteria: Invitae Variant Classification Sherloc (09022015). Collection method: clinical testing. Allele origin: germline.

All of Us Research Program, National Institutes of Health
Classification: Likely benign for Ehlers-Danlos syndrome, type 4. Last evaluated: 2023-11-30. Review status: criteria provided, single submitter. Criteria: ACMG Guidelines, 2015. Collection method: clinical testing. Allele origin: germline. Inheritance: Autosomal dominant inheritance. Observed: 2 variant alleles, 2 heterozygotes.
Comment: This study involves interpretation of variants in research participants for the purpose of population health screening. Participant phenotype was not available at the time of variant classification. Additional details can be found in publication PMID: 35346344, PMCID: PMC8962531

Ambry Genetics
Classification: Likely benign for Familial thoracic aortic aneurysm and aortic dissection. Last evaluated: 2022-07-27. Review status: criteria provided, single submitter. Criteria: Ambry Variant Classification Scheme 2023. Collection method: clinical testing. Allele origin: germline.

Color Diagnostics, LLC DBA Color Health
Classification: Likely benign for Familial thoracic aortic aneurysm and aortic dissection. Last evaluated: 2020-08-17. Review status: criteria provided, single submitter. Criteria: ACMG Guidelines, 2015. Collection method: clinical testing. Allele origin: germline.